The following is an entry in ClinVar:

NM_006531.5(IFT88):c.88G>C (p.Glu30Gln)

Gene: IFT88 (intraflagellar transport 88; plus strand). Cytogenetic location: 13q12.11.
Variant type: single nucleotide variant.
Coding change: c.88G>C on transcript NM_006531.5 (MANE Select); coding-DNA position 88, G replaced by C.
Protein change: p.Glu30Gln; replaces glutamic acid 30 with glutamine.
Molecular consequence: missense variant. On other transcripts: 5 prime UTR variant (1), non-coding transcript variant (5).
Genome position (GRCh38, 1-based): chr13:20,574,473, G>C. VCF-style: chr13-20574473-G-C. GRCh37 (hg19) VCF-style: chr13-21148612-G-C.
Other names: c.88G>C, p.Glu30Gln (NM_001318491.2, NM_001353568.2, NM_001353571.2 and 5 more transcripts); c.115G>C, p.Glu39Gln (NM_001318493.2, NM_001353565.2, NM_001353566.2 and 6 more transcripts); c.-476G>C (NM_001353579.2); short protein forms E39Q, E30Q.
Identifiers: ClinVar variation 4991902 (VCV004991902.1).

ClinVar aggregate classification (germline): Uncertain significance (1 of 4 stars; one submission).

Conditions:
IFT88-related disorder. Also called: IFT88-related condition.

Submission:

PreventionGenetics, part of Exact Sciences
Classification: Uncertain significance for IFT88-related condition. Last evaluated: 2026-09-09. Review status: criteria provided, single submitter. Criteria: ACMG Guidelines, 2015. Collection method: clinical testing. Allele origin: germline.
Comment: The IFT88 c.115G>C variant is predicted to result in the amino acid substitution p.Glu39Gln. To our knowledge, this variant has not been reported in the literature or in a large population database (gnomAD), indicating this variant is rare. At this time, the clinical significance of this variant is uncertain due to the absence of conclusive functional and genetic evidence.